The following is an entry in ClinVar:

ClinVar aggregate classification (germline): Uncertain significance (1 of 4 stars; one submission).

Conditions:
Spastic paraplegia. Identifiers: MedGen C0037772, HP:0001258.

Allele frequency attached by ClinVar (database versions not stated): gnomAD 0.00001; TOPMed 0.00003.
gnomAD v4.1: 3 of 1,551,368 alleles (0.00019%); no homozygotes.

Submission:

Labcorp Genetics (formerly Invitae), Labcorp
Classification: Uncertain significance for Spastic paraplegia. Last evaluated: 2021-03-26. Review status: criteria provided, single submitter. Criteria: Invitae Variant Classification Sherloc (09022015). Collection method: clinical testing. Allele origin: germline.
Comment: Advanced modeling of protein sequence and biophysical properties (such as structural, functional, and spatial information, amino acid conservation, physicochemical variation, residue mobility, and thermodynamic stability) performed at Invitae indicates that this missense variant is not expected to disrupt CYP2U1 protein function. This sequence change replaces isoleucine with threonine at codon 101 of the CYP2U1 protein (p.Ile101Thr). The isoleucine residue is weakly conserved and there is a moderate physicochemical difference between isoleucine and threonine. This variant is not present in population databases (ExAC no frequency). This variant has not been reported in the literature in individuals with CYP2U1-related conditions. In summary, the available evidence is currently insufficient to determine the role of this variant in disease. Therefore, it has been classified as a Variant of Uncertain Significance.

NM_183075.3(CYP2U1):c.302T>C (p.Ile101Thr)

Genes: CYP2U1 (cytochrome P450 family 2 subfamily U member 1; plus strand), CYP2U1-AS1 (CYP2U1 and SGMS2 antisense RNA 1; minus strand). Cytogenetic location: 4q25.
Variant type: single nucleotide variant.
Coding change: c.302T>C on transcript NM_183075.3 (MANE Select); coding-DNA position 302, T replaced by C.
Protein change: p.Ile101Thr; replaces isoleucine 101 with threonine.
Molecular consequence: missense variant.
Genome position (GRCh38, 1-based): chr4:107,931,945, T>C. VCF-style: chr4-107931945-T-C. GRCh37 (hg19) VCF-style: chr4-108853101-T-C.
Other names: short protein forms I101T.
Identifiers: ClinVar variation 1407963 (VCV001407963.8), dbSNP rs1053725607, ClinGen allele CA102859767.